The following is an entry in ClinVar:

ClinVar aggregate classification (germline): Uncertain significance (1 of 4 stars; one submission).

Conditions:
Inborn genetic diseases. Identifiers: MedGen C0950123, MeSH D030342.

Submission:

Ambry Genetics
Classification: Uncertain significance for Inborn genetic diseases. Last evaluated: 2025-12-20. Review status: criteria provided, single submitter. Criteria: Ambry Variant Classification Scheme 2023. Collection method: clinical testing. Allele origin: germline.
Comment: The p.G115D variant (also known as c.344G>A), located in coding exon 4 of the RECQL4 gene, results from a G to A substitution at nucleotide position 344. The glycine at codon 115 is replaced by aspartic acid, an amino acid with similar properties. This amino acid position is conserved. In addition, this alteration is predicted to be tolerated by in silico analysis. Based on the available evidence, the clinical significance of this variant remains unclear.

NM_004260.4(RECQL4):c.344G>A (p.Gly115Asp)

Gene: RECQL4 (RecQ like helicase 4; minus strand). Cytogenetic location: 8q24.3.
Variant type: single nucleotide variant.
Coding change: c.344G>A on transcript NM_004260.4 (MANE Select); coding-DNA position 344, G replaced by A.
Protein change: p.Gly115Asp; replaces glycine 115 with aspartic acid.
Molecular consequence: missense variant. On other transcripts: 5 prime UTR variant (17), non-coding transcript variant (3).
Genome position (GRCh38, 1-based): chr8:144,517,060, C>T on the plus strand (G>A on the coding strand, the complement: RECQL4 is on the minus strand). VCF-style: chr8-144517060-C-T. GRCh37 (hg19) VCF-style: chr8-145742444-C-T.
Other names: c.344G>A, p.Gly115Asp (NM_001413017.1, NM_001413018.1, NM_001413019.1 and 5 more transcripts); c.-377G>A (NM_001413021.1); c.-728G>A (NM_001413022.1, NM_001413023.1, NM_001413037.1 and 3 more transcripts); c.-625G>A (NM_001413024.1, NM_001413035.1); c.215G>A, p.Gly72Asp (NM_001413025.1); c.-790G>A (NM_001413027.1, NM_001413030.1, NM_001413031.1 and 1 more transcripts); c.-453G>A (NM_001413028.1); c.-687G>A (NM_001413032.1); and 2 more; short protein forms G115D, G72D.
Identifiers: ClinVar variation 4841559 (VCV004841559.1).